The following is an entry in ClinVar:

NM_020975.6(RET):c.398G>T (p.Arg133Leu)

Gene: RET (ret proto-oncogene; plus strand). Cytogenetic location: 10q11.21.
Variant type: single nucleotide variant.
Coding change: c.398G>T on transcript NM_020975.6 (MANE Select); coding-DNA position 398, G replaced by T.
Protein change: p.Arg133Leu; replaces arginine 133 with leucine.
Molecular consequence: missense variant. On other transcripts: intron variant (22).
Genome position (GRCh38, 1-based): chr10:43,102,402, G>T. VCF-style: chr10-43102402-G-T. GRCh37 (hg19) VCF-style: chr10-43597850-G-T.
Other names: c.398G>T, p.Arg133Leu (NM_000323.2, NM_001406743.1, NM_001406744.1 and 16 more transcripts); c.338-69G>T (NM_001406764.1, NM_001406762.1, NM_001406761.1 and 4 more transcripts); c.337+1680G>T (NM_001406770.1, NM_001406766.1, NM_001406767.1 and 8 more transcripts); c.74-6629G>T (NM_001406784.1); c.74-9697G>T (NM_001406794.1, NM_001406792.1, NM_001406793.1); short protein forms R133L.
Identifiers: ClinVar variation 2732999 (VCV002732999.3), dbSNP rs138265837, ClinGen allele CA376770738.

ClinVar aggregate classification (germline): Uncertain significance (1 of 4 stars; one submission).

Conditions:
Multiple endocrine neoplasia, type 2 (MEN2). Identifiers: Orphanet 653, MedGen C4048306, MONDO:0019003. Disease mechanism: gain of function.

Submission:

Labcorp Genetics (formerly Invitae), Labcorp
Classification: Uncertain significance for Multiple endocrine neoplasia, type 2. Last evaluated: 2024-01-25. Review status: criteria provided, single submitter. Criteria: Invitae Variant Classification Sherloc (09022015). Collection method: clinical testing. Allele origin: germline.
Comment: This sequence change replaces arginine, which is basic and polar, with leucine, which is neutral and non-polar, at codon 133 of the RET protein (p.Arg133Leu). This variant is not present in population databases (gnomAD no frequency). This variant has not been reported in the literature in individuals affected with RET-related conditions. An algorithm developed to predict the effect of missense changes on protein structure and function (PolyPhen-2) suggests that this variant is likely to be tolerated. In summary, the available evidence is currently insufficient to determine the role of this variant in disease. Therefore, it has been classified as a Variant of Uncertain Significance.